The following is an entry in ClinVar:

NM_001375808.2(LPIN2):c.545A>G (p.Asp182Gly)

Gene: LPIN2 (lipin 2; minus strand). Cytogenetic location: 18p11.31.
Variant type: single nucleotide variant.
Coding change: c.545A>G on transcript NM_001375808.2 (MANE Select); coding-DNA position 545, A replaced by G.
Protein change: p.Asp182Gly; replaces aspartic acid 182 with glycine.
Molecular consequence: missense variant.
Genome position (GRCh38, 1-based): chr18:2,951,100, T>C on the plus strand (A>G on the coding strand, the complement: LPIN2 is on the minus strand). VCF-style: chr18-2951100-T-C. GRCh37 (hg19) VCF-style: chr18-2951098-T-C.
Other names: c.545A>G, p.Asp182Gly (NM_001375809.1, NM_014646.2); short protein forms D182G.
Identifiers: ClinVar variation 4743069 (VCV004743069.1).

ClinVar aggregate classification (germline): Uncertain significance (1 of 4 stars; one submission).

Conditions:
Majeed syndrome (MJDS). Also called: CHRONIC RECURRENT MULTIFOCAL OSTEOMYELITIS 1, WITH CONGENITAL DYSERYTHROPOIETIC ANEMIA, WITH OR WITHOUT NEUTROPHILIC DERMATOSIS; LPIN2-Related Majeed Syndrome. Identifiers: Orphanet 77297, MedGen C1864997, MONDO:0012316, OMIM 609628.

gnomAD v4.1: 2 of 1,614,074 alleles (0.00012%); highest among the groups gnomAD compares: Middle Eastern, 0.016%; no homozygotes.

Submission:

Labcorp Genetics (formerly Invitae), Labcorp
Classification: Uncertain significance for Majeed syndrome. Last evaluated: 2025-04-02. Review status: criteria provided, single submitter. Criteria: Invitae Variant Classification Sherloc (09022015). Collection method: clinical testing. Allele origin: germline.
Comment: This sequence change replaces aspartic acid, which is acidic and polar, with glycine, which is neutral and non-polar, at codon 182 of the LPIN2 protein (p.Asp182Gly). This variant is not present in population databases (gnomAD no frequency). This variant has not been reported in the literature in individuals affected with LPIN2-related conditions. Invitae Evidence Modeling of protein sequence and biophysical properties (such as structural, functional, and spatial information, amino acid conservation, physicochemical variation, residue mobility, and thermodynamic stability) indicates that this missense variant is not expected to disrupt LPIN2 protein function with a negative predictive value of 80%. In summary, the available evidence is currently insufficient to determine the role of this variant in disease. Therefore, it has been classified as a Variant of Uncertain Significance.